The following is an entry in ClinVar:

ClinVar aggregate classification (germline): Uncertain significance (1 of 4 stars; one submission).

Conditions:
Infantile-onset X-linked spinal muscular atrophy. Also called: AMC, DISTAL, X-LINKED; ARTHROGRYPOSIS, X-LINKED, TYPE I; Spinal Muscular Atrophy, X-Linked Infantile; SPINAL MUSCULAR ATROPHY, X-LINKED LETHAL INFANTILE; Spinal muscular atrophy, X-linked 2. Identifiers: Orphanet 1145, MedGen C1844934, MONDO:0010532, OMIM 301830.

Allele frequency attached by ClinVar (database versions not stated): gnomAD exomes 0.00001.
gnomAD v4.1: 7 of 1,209,730 alleles (0.00058%); highest among the groups gnomAD compares: Non-Finnish European, 0.00078%; no homozygotes.

Submission:

Labcorp Genetics (formerly Invitae), Labcorp
Classification: Uncertain significance for Infantile-onset X-linked spinal muscular atrophy. Last evaluated: 2022-03-05. Review status: criteria provided, single submitter. Criteria: Invitae Variant Classification Sherloc (09022015). Collection method: clinical testing. Allele origin: germline.
Comment: In summary, the available evidence is currently insufficient to determine the role of this variant in disease. Therefore, it has been classified as a Variant of Uncertain Significance. This sequence change replaces methionine, which is neutral and non-polar, with valine, which is neutral and non-polar, at codon 223 of the UBA1 protein (p.Met223Val). This variant is not present in population databases (gnomAD no frequency). This variant has not been reported in the literature in individuals affected with UBA1-related conditions. Algorithms developed to predict the effect of missense changes on protein structure and function (SIFT, PolyPhen-2, Align-GVGD) all suggest that this variant is likely to be tolerated.

NM_003334.4(UBA1):c.667A>G (p.Met223Val)

Gene: UBA1 (ubiquitin like modifier activating enzyme 1; plus strand). Cytogenetic location: Xp11.3.
Variant type: single nucleotide variant.
Coding change: c.667A>G on transcript NM_003334.4 (MANE Select); coding-DNA position 667, A replaced by G.
Protein change: p.Met223Val; replaces methionine 223 with valine.
Molecular consequence: missense variant.
Genome position (GRCh38, 1-based): chrX:47,201,355, A>G. VCF-style: chrX-47201355-A-G. GRCh37 (hg19) VCF-style: chrX-47060754-A-G.
Other names: c.667A>G, p.Met223Val (NM_153280.3); short protein forms M223V.
Identifiers: ClinVar variation 2107184 (VCV002107184.4), dbSNP rs2521426034, ClinGen allele CA412792954.